The following is an entry in ClinVar:

ClinVar aggregate classification (germline): Uncertain significance (1 of 4 stars; one submission).

gnomAD v4.1: 9 of 1,613,974 alleles (0.00056%); highest among the groups gnomAD compares: Middle Eastern, 0.017%; no homozygotes.

Submission:

Labcorp Genetics (formerly Invitae), Labcorp
Classification: Uncertain significance. Last evaluated: 2021-09-08. Review status: criteria provided, single submitter. Criteria: Invitae Variant Classification Sherloc (09022015). Collection method: clinical testing. Allele origin: germline.
Comment: This sequence change replaces alanine with threonine at codon 580 of the LAMA3 protein (p.Ala580Thr). The alanine residue is highly conserved and there is a small physicochemical difference between alanine and threonine. This variant is not present in population databases (ExAC no frequency). This variant has not been reported in the literature in individuals with LAMA3-related conditions. Algorithms developed to predict the effect of missense changes on protein structure and function are either unavailable or do not agree on the potential impact of this missense change (SIFT: "Deleterious"; PolyPhen-2: "Probably Damaging"; Align-GVGD: "Class C0"). In summary, the available evidence is currently insufficient to determine the role of this variant in disease. Therefore, it has been classified as a Variant of Uncertain Significance.

NM_198129.4(LAMA3):c.6565G>A (p.Ala2189Thr)

Gene: LAMA3 (laminin subunit alpha 3; plus strand). Cytogenetic location: 18q11.2.
Variant type: single nucleotide variant.
Coding change: c.6565G>A on transcript NM_198129.4 (MANE Select); coding-DNA position 6565, G replaced by A.
Protein change: p.Ala2189Thr; replaces alanine 2189 with threonine.
Molecular consequence: missense variant.
Genome position (GRCh38, 1-based): chr18:23,904,644, G>A. VCF-style: chr18-23904644-G-A. GRCh37 (hg19) VCF-style: chr18-21484608-G-A.
Other names: c.1738G>A, p.Ala580Thr (NM_000227.6); c.6397G>A, p.Ala2133Thr (NM_001127717.4); c.1570G>A, p.Ala524Thr (NM_001127718.4); short protein forms A524T, A2189T, A580T, A2133T.
Identifiers: ClinVar variation 2189657 (VCV002189657.1), dbSNP rs781621027, ClinGen allele CA402050480.
Genomic context (GRCh38, chr18:23,904,644, plus strand): 5'-GTGCGCTGTGCTGTGGATGCCGCCACCGCCTACGAGAACATCCTCAATGCCATCAAAGCG[G>A]CCGAGGACGCAGCCAACAGGGCTGCCAGTGCATCTGAATCTGCCCTCCAGGTGGGCACCT-3'
Protein context (NP_937762.2, residues 2179-2199): YENILNAIKA[Ala2189Thr]EDAANRAASA